The following is an entry in ClinVar:

NM_005802.5(TOPORS):c.229A>G (p.Met77Val)

Gene: TOPORS (TOP1 binding arginine/serine rich protein, E3 ubiquitin ligase; minus strand). Cytogenetic location: 9p21.1.
Variant type: single nucleotide variant.
Coding change: c.229A>G on transcript NM_005802.5 (MANE Select); coding-DNA position 229, A replaced by G.
Protein change: p.Met77Val; replaces methionine 77 with valine.
Molecular consequence: missense variant.
Genome position (GRCh38, 1-based): chr9:32,544,296, T>C on the plus strand (A>G on the coding strand, the complement: TOPORS is on the minus strand). VCF-style: chr9-32544296-T-C. GRCh37 (hg19) VCF-style: chr9-32544294-T-C.
Other names: c.34A>G, p.Met12Val (NM_001195622.2); short protein forms M12V, M77V.
Identifiers: ClinVar variation 2871207 (VCV002871207.3), dbSNP rs2489455652, ClinGen allele CA373173123.

ClinVar aggregate classification (germline): Uncertain significance (1 of 4 stars; one submission).

Allele frequency attached by ClinVar (database versions not stated): gnomAD exomes below 0.00001.
gnomAD v4.1: 1 of 1,602,328 alleles (0.000062%); highest among the groups gnomAD compares: Non-Finnish European, 0.000085%; no homozygotes.

Submission:

Labcorp Genetics (formerly Invitae), Labcorp
Classification: Uncertain significance. Last evaluated: 2023-09-03. Review status: criteria provided, single submitter. Criteria: Invitae Variant Classification Sherloc (09022015). Collection method: clinical testing. Allele origin: germline.
Comment: This sequence change replaces methionine, which is neutral and non-polar, with valine, which is neutral and non-polar, at codon 77 of the TOPORS protein (p.Met77Val). This variant is not present in population databases (gnomAD no frequency). This variant has not been reported in the literature in individuals affected with TOPORS-related conditions. Algorithms developed to predict the effect of missense changes on protein structure and function output the following: SIFT: "Not Available"; PolyPhen-2: "Benign"; Align-GVGD: "Not Available". The valine amino acid residue is found in multiple mammalian species, which suggests that this missense change does not adversely affect protein function. In summary, the available evidence is currently insufficient to determine the role of this variant in disease. Therefore, it has been classified as a Variant of Uncertain Significance.